The following is an entry in ClinVar:

NM_000038.6(APC):c.2978A>T (p.Lys993Met)

Gene: APC (APC regulator of Wnt signaling pathway; plus strand). Cytogenetic location: 5q22.2.
Variant type: single nucleotide variant.
Coding change: c.2978A>T on transcript NM_000038.6 (MANE Select); coding-DNA position 2978, A replaced by T.
Protein change: p.Lys993Met; replaces lysine 993 with methionine.
Molecular consequence: missense variant. On other transcripts: non-coding transcript variant (2).
Genome position (GRCh38, 1-based): chr5:112,838,572, A>T. VCF-style: chr5-112838572-A-T. GRCh37 (hg19) VCF-style: chr5-112174269-A-T.
Other names: c.2978A>T, p.Lys993Met (NM_001127510.3, NM_001354895.2, NM_001407450.1); c.2924A>T, p.Lys975Met (NM_001127511.3); c.3032A>T, p.Lys1011Met (NM_001354896.2, NM_001407447.1, NM_001407448.1 and 1 more transcripts); c.3008A>T, p.Lys1003Met (NM_001354897.2); c.2903A>T, p.Lys968Met (NM_001354898.2); c.2894A>T, p.Lys965Met (NM_001354899.2); c.2855A>T, p.Lys952Met (NM_001354900.2); c.2801A>T, p.Lys934Met (NM_001354901.2, NM_001407453.1); and 11 more; short protein forms K833M, K910M, K934M, K975M, K993M, K1021M, K710M, K892M.
Identifiers: ClinVar variation 2911072 (VCV002911072.6), dbSNP rs1554084627, ClinGen allele CA16027843.
Genomic context (GRCh38, chr5:112,838,572, plus strand): 5'-ATGGTAAAAGAGGTCAAATGAAACCCTCGATTGAATCCTATTCTGAAGATGATGAAAGTA[A>T]GTTTTGCAGTTATGGTCAATACCCAGCCGACCTAGCCCATAAAATACATAGTGCAAATCA-3'
Protein context (NP_000029.2, residues 983-1003): IESYSEDDES[Lys993Met]FCSYGQYPAD

ClinVar aggregate classification (germline): Uncertain significance. Review status: criteria provided, multiple submitters, no conflicts (2 of 4 stars). 3 submissions from 3 submitters: Uncertain significance (3). Last evaluated 2025-07-14.

Conditions:
Familial adenomatous polyposis 1 (FAP1). Also called: FAMILIAL ADENOMATOUS POLYPOSIS 1, ATTENUATED; POLYPOSIS, ADENOMATOUS INTESTINAL. Identifiers: MedGen C2713442, MONDO:0021056, OMIM 175100. Disease mechanism: loss of function.
Hereditary cancer-predisposing syndrome. Also called: Hereditary Cancer Syndrome; Tumor predisposition; Hereditary neoplastic syndrome; Neoplastic Syndromes, Hereditary. Identifiers: Orphanet 140162, MedGen C0027672, MeSH D009386, MONDO:0015356.

Submissions (3):

Color Diagnostics, LLC DBA Color Health
Classification: Uncertain significance for Hereditary cancer-predisposing syndrome. Last evaluated: 2025-07-14. Review status: criteria provided, single submitter. Criteria: ACMG Guidelines, 2015. Collection method: clinical testing. Allele origin: germline.
Comment: This missense variant replaces lysine with methionine at codon 993 of the APC protein. Computational prediction is inconclusive regarding the impact of this variant on protein structure and function. To our knowledge, functional studies have not been reported for this variant. This variant has not been reported in individuals affected with APC-related disorders in the literature. This variant has not been identified in the general population by the Genome Aggregation Database (gnomAD). The available evidence is insufficient to determine the role of this variant in disease conclusively. Therefore, this variant is classified as a Variant of Uncertain Significance.

Center for Genomic Medicine, Rigshospitalet, Copenhagen University Hospital
Classification: Uncertain significance. Last evaluated: 2025-03-04. Review status: criteria provided, single submitter. Criteria: ACMG Guidelines, 2015. Collection method: clinical testing. Allele origin: germline.

Labcorp Genetics (formerly Invitae), Labcorp
Classification: Uncertain significance for Familial adenomatous polyposis 1. Last evaluated: 2023-08-11. Review status: criteria provided, single submitter. Criteria: Invitae Variant Classification Sherloc (09022015). Collection method: clinical testing. Allele origin: germline.
Comment: In summary, the available evidence is currently insufficient to determine the role of this variant in disease. Therefore, it has been classified as a Variant of Uncertain Significance. Advanced modeling of protein sequence and biophysical properties (such as structural, functional, and spatial information, amino acid conservation, physicochemical variation, residue mobility, and thermodynamic stability) performed at Invitae indicates that this missense variant is not expected to disrupt APC protein function. This variant has not been reported in the literature in individuals affected with APC-related conditions. This variant is not present in population databases (gnomAD no frequency). This sequence change replaces lysine, which is basic and polar, with methionine, which is neutral and non-polar, at codon 993 of the APC protein (p.Lys993Met).